The following is an entry in ClinVar:

ClinVar aggregate classification (germline): Likely benign (1 of 4 stars; one submission).

Allele frequency attached by ClinVar (database versions not stated): gnomAD 0.00001; gnomAD exomes 0.00001.
gnomAD v4.1: 14 of 1,612,230 alleles (0.00087%); highest among the groups gnomAD compares: South Asian, 0.0011%; no homozygotes.

Submission:

CeGaT Center for Human Genetics Tuebingen
Classification: Likely benign. Last evaluated: 2022-07-01. Review status: criteria provided, single submitter. Criteria: CeGaT Center For Human Genetics Tuebingen Variant Classification Criteria Version 2. Collection method: clinical testing. Allele origin: germline. Affected: yes. Observed: 1 variant allele.
Comment: MTHFD2: BP4, BP7

NM_006636.4(MTHFD2):c.654G>A (p.Ala218=)

Gene: MTHFD2 (methylenetetrahydrofolate dehydrogenase (NADP+ dependent) 2, methenyltetrahydrofolate cyclohydrolase; plus strand). Cytogenetic location: 2p13.1.
Variant type: single nucleotide variant.
Coding change: c.654G>A on transcript NM_006636.4 (MANE Select); coding-DNA position 654, G replaced by A.
Protein change: p.Ala218=; no amino-acid change (alanine 218 retained).
Molecular consequence: synonymous variant.
Genome position (GRCh38, 1-based): chr2:74,210,033, G>A. VCF-style: chr2-74210033-G-A. GRCh37 (hg19) VCF-style: chr2-74437160-G-A.
Other names: c.348G>A, p.Ala116= (NM_001040409.1, NM_001410192.1).
Identifiers: ClinVar variation 2651062 (VCV002651062.24), dbSNP rs1384785942, ClinGen allele CA426811977.